The following is an entry in ClinVar:

ClinVar aggregate classification (germline): Uncertain significance (1 of 4 stars; one submission).

Conditions:
Achondrogenesis, type IA (ACG1A). Identifiers: Orphanet 932, Orphanet 93299, MedGen C0265273, MONDO:0008701, OMIM 200600.

Submission:

Labcorp Genetics (formerly Invitae), Labcorp
Classification: Uncertain significance for Achondrogenesis, type IA. Last evaluated: 2026-01-12. Review status: criteria provided, single submitter. Criteria: Invitae Variant Classification Sherloc (09022015). Collection method: clinical testing. Allele origin: germline.
Comment: This sequence change replaces lysine, which is basic and polar, with glutamine, which is neutral and polar, at codon 610 of the TRIP11 protein (p.Lys610Gln). This variant is not present in population databases (gnomAD no frequency). This variant has not been reported in the literature in individuals affected with TRIP11-related conditions. ClinVar contains an entry for this variant (Variation ID: 1956429). Invitae Evidence Modeling of protein sequence and biophysical properties (such as structural, functional, and spatial information, amino acid conservation, physicochemical variation, residue mobility, and thermodynamic stability) indicates that this missense variant is not expected to disrupt TRIP11 protein function with a negative predictive value of 80%. In summary, the available evidence is currently insufficient to determine the role of this variant in disease. Therefore, it has been classified as a Variant of Uncertain Significance.

NM_004239.4(TRIP11):c.1828A>C (p.Lys610Gln)

Gene: TRIP11 (thyroid hormone receptor interactor 11; minus strand). Cytogenetic location: 14q32.12.
Variant type: single nucleotide variant.
Coding change: c.1828A>C on transcript NM_004239.4 (MANE Select); coding-DNA position 1828, A replaced by C.
Protein change: p.Lys610Gln; replaces lysine 610 with glutamine.
Molecular consequence: missense variant.
Genome position (GRCh38, 1-based): chr14:92,006,148, T>G on the plus strand (A>C on the coding strand, the complement: TRIP11 is on the minus strand). VCF-style: chr14-92006148-T-G. GRCh37 (hg19) VCF-style: chr14-92472492-T-G.
Other names: c.1825A>C, p.Lys609Gln (NM_001321851.1); short protein forms K609Q, K610Q.
Identifiers: ClinVar variation 1956429 (VCV001956429.5), dbSNP rs2543036109, ClinGen allele CA390659928.